The following is an entry in ClinVar:

ClinVar aggregate classification (germline): Pathogenic (1 of 4 stars; one submission).

Submission:

ISCA site 17
Classification: Pathogenic. Last evaluated: 2011-08-12. Review status: criteria provided, single submitter. Criteria: Kaminsky et al. (Genet Med. 2011). Collection method: clinical testing. Allele origin: maternal. Affected: yes. Observed: 1 variant allele.
Comment: Copy number variation identified through the course of routine clinical cytogenomic testing in postnatal populations. Clinical assertions have been curated as described in Kaminsky et al. 2011.

GRCh38/hg38 Xp22.33-22.32(chrX:40904-4469489)x3

Genes: AKAP17A (A-kinase anchoring protein 17A; plus strand), ARSD (arylsulfatase D; minus strand), ARSD-AS1 (ARSD antisense RNA 1; plus strand), ARSF (arylsulfatase F; plus strand), ARSH (arylsulfatase family member H; plus strand) and 66 more. Cytogenetic location: Xp22.33-22.32.
Variant type: copy number gain.
Change: copy number 3 of chrX:40,904-4,469,489 (4.43 Mb, GRCh38 coordinates, 1-based), cytogenetic band Xp22.33-22.32.
Identifiers: ClinVar variation 58557 (VCV000058557.2).